The following is an entry in ClinVar:

NM_001378418.1(TCF20):c.137G>T (p.Gly46Val)

Gene: TCF20 (transcription factor 20; minus strand). Cytogenetic location: 22q13.2.
Variant type: single nucleotide variant.
Coding change: c.137G>T on transcript NM_001378418.1 (MANE Select); coding-DNA position 137, G replaced by T.
Protein change: p.Gly46Val; replaces glycine 46 with valine.
Molecular consequence: missense variant.
Genome position (GRCh38, 1-based): chr22:42,215,169, C>A on the plus strand (G>T on the coding strand, the complement: TCF20 is on the minus strand). VCF-style: chr22-42215169-C-A. GRCh37 (hg19) VCF-style: chr22-42611175-C-A.
Other names: c.137G>T, p.Gly46Val (NM_005650.4, NM_181492.3); short protein forms G46V.
Identifiers: ClinVar variation 1806318 (VCV001806318.1), dbSNP rs1437982319, ClinGen allele CA411793641.

ClinVar aggregate classification (germline): Uncertain significance (1 of 4 stars; one submission).

Conditions:
Developmental delay with variable intellectual impairment and behavioral abnormalities. Identifiers: MedGen C5193092, MONDO:0032745, OMIM 618430.

Allele frequency attached by ClinVar (database versions not stated): gnomAD exomes below 0.00001.
gnomAD v4.1: 2 of 1,614,208 alleles (0.00012%); highest among the groups gnomAD compares: Non-Finnish European, 0.00017%; no homozygotes.

Submission:

Victorian Clinical Genetics Services, Murdoch Childrens Research Institute
Classification: Uncertain significance for Developmental delay with variable intellectual impairment and behavioral abnormalities. Last evaluated: 2020-05-21. Review status: criteria provided, single submitter. Criteria: ACMG Guidelines, 2015. Collection method: clinical testing. Allele origin: germline. Inheritance: Autosomal dominant inheritance. Affected: yes.
Comment: A heterozygous missense variant was identified, NM_005650.3(TCF20):c.137G>T in exon 2 of 6 of the TCF20 gene. This substitution is predicted to create a major amino acid change from a glycine to a valine at position 46 of the protein; NP_005641.1(TCF20):p.(Gly46Val). The glycine at this position has low conservation (100 vertebrates, UCSC), and is not situated in a known functional domain (NCBI, PDB). In silico software predicts this variant to be tolerated (PolyPhen2, FATHMM, Mutation Assessor). The variant is not present in the gnomAD population database. This variant has not previously been reported in clinical cases. Based on information available at the time of curation, this variant has been classified as a VUS with LOW CLINICAL RELEVANCE.